The following is an entry in ClinVar:

NM_000132.4(F8):c.5545T>A (p.Phe1849Ile)

Gene: F8 (coagulation factor VIII; minus strand). Cytogenetic location: Xq28.
Variant type: single nucleotide variant.
Coding change: c.5545T>A on transcript NM_000132.4 (MANE Select); coding-DNA position 5545, T replaced by A.
Protein change: p.Phe1849Ile; replaces phenylalanine 1849 with isoleucine.
Molecular consequence: missense variant.
Genome position (GRCh38, 1-based): chrX:154,904,852, A>T on the plus strand (T>A on the coding strand, the complement: F8 is on the minus strand). VCF-style: chrX-154904852-A-T. GRCh37 (hg19) VCF-style: chrX-154133127-A-T.
Other names: short protein forms F1849I.
Identifiers: ClinVar variation 2627282 (VCV002627282.1), dbSNP rs2523885481, ClinGen allele CA414908552.

ClinVar aggregate classification (germline): Uncertain significance (1 of 4 stars; one submission).

Submission:

Women's Health and Genetics/Laboratory Corporation of America, LabCorp
Classification: Uncertain significance. Last evaluated: 2023-09-20. Review status: criteria provided, single submitter. Criteria: LabCorp Variant Classification Summary - May 2015. Collection method: clinical testing. Allele origin: germline.
Comment: Variant summary: F8 c.5545T>A (p.Phe1849Ile) results in a non-conservative amino acid change in the encoded protein sequence. Five of five in-silico tools predict a damaging effect of the variant on protein function. The variant was absent in 183320 control chromosomes. c.5545T>A has been reported in the literature in individuals affected with Factor VIII Deficiency (Hemophilia A) (Kang_2021, Feng_2021). These data indicate that the variant may be associated with disease. To our knowledge, no experimental evidence demonstrating an impact on protein function has been reported. The following publications have been ascertained in the context of this evaluation (PMID: 33245802, 32897612). No submitters have cited clinical-significance assessments for this variant to ClinVar after 2014. Based on the evidence outlined above, the variant was classified as VUS-possibly pathogenic.

Literature cited by the submitters: PubMed 33245802; PubMed 32897612.